The following is an entry in ClinVar:

ClinVar aggregate classification (germline): Uncertain significance (1 of 4 stars; one submission).

gnomAD v4.1: 3 of 1,613,892 alleles (0.00019%); highest among the groups gnomAD compares: East Asian, 0.0045%; no homozygotes.

Submission:

Labcorp Genetics (formerly Invitae), Labcorp
Classification: Uncertain significance. Last evaluated: 2025-10-07. Review status: criteria provided, single submitter. Criteria: Invitae Variant Classification Sherloc (09022015). Collection method: clinical testing. Allele origin: germline.
Comment: This sequence change replaces aspartic acid, which is acidic and polar, with histidine, which is basic and polar, at codon 555 of the ALPK3 protein (p.Asp555His). This variant is present in population databases (rs769445142, gnomAD 0.006%). This variant has not been reported in the literature in individuals affected with ALPK3-related conditions. An algorithm developed to predict the effect of missense changes on protein structure and function (PolyPhen-2) suggests that this variant is likely to be disruptive. In summary, the available evidence is currently insufficient to determine the role of this variant in disease. Therefore, it has been classified as a Variant of Uncertain Significance.

NM_020778.5(ALPK3):c.1057G>C (p.Asp353His)

Gene: ALPK3 (alpha kinase 3; plus strand). Cytogenetic location: 15q25.3.
Variant type: single nucleotide variant.
Coding change: c.1057G>C on transcript NM_020778.5 (MANE Select); coding-DNA position 1057, G replaced by C.
Protein change: p.Asp353His; replaces aspartic acid 353 with histidine.
Molecular consequence: missense variant.
Genome position (GRCh38, 1-based): chr15:84,840,336, G>C. VCF-style: chr15-84840336-G-C. GRCh37 (hg19) VCF-style: chr15-85383567-G-C.
Other names: short protein forms D353H.
Identifiers: ClinVar variation 4728650 (VCV004728650.1).